The following is an entry in ClinVar:

NM_003793.4(CTSF):c.676C>T (p.Arg226Cys)

Gene: CTSF (cathepsin F; minus strand). Cytogenetic location: 11q13.2.
Variant type: single nucleotide variant.
Coding change: c.676C>T on transcript NM_003793.4 (MANE Select); coding-DNA position 676, C replaced by T.
Protein change: p.Arg226Cys; replaces arginine 226 with cysteine.
Molecular consequence: missense variant.
Genome position (GRCh38, 1-based): chr11:66,566,336, G>A on the plus strand (C>T on the coding strand, the complement: CTSF is on the minus strand). VCF-style: chr11-66566336-G-A. GRCh37 (hg19) VCF-style: chr11-66333807-G-A.
Other names: short protein forms R226C.
Identifiers: ClinVar variation 588058 (VCV000588058.67), dbSNP rs143313688, ClinGen allele CA6125487.
Genomic context (GRCh38, chr11:66,566,336, plus strand): 5'-GGCCACTATCCCTACCTGTGAGATCACTGAACTTGGTGACTCCATACTGAGCTGTGCCAC[G>A]GTCCAGGGCCTGGATCTTCTGTGCTCGCACCATGTTATTGACAAAGACGGACAGGCGCCA-3'
Protein context (NP_003784.2, residues 216-236): VRAQKIQALD[Arg226Cys]GTAQYGVTKF

ClinVar aggregate classification (germline): Conflicting classifications of pathogenicity. Review status: criteria provided, conflicting classifications (1 of 4 stars). 10 submissions from 10 submitters: Uncertain significance (1); Benign (1); Likely benign (5). 3 of the submissions do not count toward it. Last evaluated 2026-06-01.

Conditions:
CTSF-related disorder. Also called: CTSF-related condition.
Neuronal ceroid lipofuscinosis 13 (CLN13). Also called: CLN13 Disease; CEROID LIPOFUSCINOSIS, NEURONAL, 13 (KUFS TYPE). Identifiers: Orphanet 352709, Orphanet 79262, MedGen C3715049, MONDO:0014147, OMIM 615362.
Inborn genetic diseases. Identifiers: MedGen C0950123, MeSH D030342.

Allele frequency attached by ClinVar (database versions not stated): 1000 Genomes Project 0.00160; 1000 Genomes Project 30x 0.00187; gnomAD 0.00259 and 0.00277; TOPMed 0.00264; gnomAD exomes 0.00296 and 0.00348; ExAC 0.00337; ESP Exome Variant Server 0.00354.

Submissions (10):

CeGaT Center for Human Genetics Tuebingen
Classification: Likely benign. Last evaluated: 2026-06-01. Review status: criteria provided, single submitter. Criteria: CeGaT Center For Human Genetics Tuebingen Variant Classification Criteria Version 2. Collection method: clinical testing. Allele origin: germline. Affected: yes. Observed: 10 variant alleles.
Comment: CTSF: BS2

Labcorp Genetics (formerly Invitae), Labcorp
Classification: Likely benign for Neuronal ceroid lipofuscinosis 13. Last evaluated: 2026-01-28. Review status: criteria provided, single submitter. Criteria: Invitae Variant Classification Sherloc (09022015). Collection method: clinical testing. Allele origin: germline.

Athena Diagnostics
Classification: Benign. Last evaluated: 2024-12-06. Review status: criteria provided, single submitter. Criteria: Athena Diagnostics Criteria. Collection method: clinical testing. Allele origin: unknown.
Comment: The frequency of this variant in the general population is higher than would generally be expected for pathogenic variants in this gene.

Blueprint Genetics
Classification: Likely benign. Last evaluated: 2024-11-04. Review status: criteria provided, single submitter. Criteria: ACMG Guidelines, 2015. Collection method: clinical testing. Allele origin: germline.

GeneDx
Classification: Likely benign. Last evaluated: 2020-08-31. Review status: criteria provided, single submitter. Criteria: GeneDx Variant Classification Process June 2021. Collection method: clinical testing. Allele origin: germline. Affected: yes.

Mayo Clinic Laboratories, Mayo Clinic
Classification: Uncertain significance. Last evaluated: 2019-11-13. Review status: criteria provided, single submitter. Criteria: ACMG Guidelines, 2015. Collection method: clinical testing. Allele origin: germline. Observed: 1 variant allele.

Ambry Genetics
Classification: Likely benign for Inborn genetic diseases. Last evaluated: 2018-05-21. Review status: criteria provided, single submitter. Criteria: Ambry Variant Classification Scheme 2023. Collection method: clinical testing. Allele origin: germline.

PreventionGenetics, part of Exact Sciences
Classification: Likely benign for CTSF-related condition. Last evaluated: 2020-03-24. Review status: no assertion criteria provided. Collection method: clinical testing. Allele origin: germline. Not counted in ClinVar's aggregate classification.
Comment: This variant is classified as likely benign based on ACMG/AMP sequence variant interpretation guidelines (Richards et al. 2015 PMID: 25741868, with internal and published modifications).

Clinical Genetics DNA and cytogenetics Diagnostics Lab, Erasmus MC, Erasmus Medical Center
Classification: Likely benign. Review status: no assertion criteria provided. Collection method: clinical testing. Allele origin: germline. Affected: yes. Study: VKGL Data-share Consensus. Not counted in ClinVar's aggregate classification.

Genome Diagnostics Laboratory, Amsterdam University Medical Center
Classification: Likely benign. Review status: no assertion criteria provided. Collection method: clinical testing. Allele origin: germline. Affected: yes. Study: VKGL Data-share Consensus. Not counted in ClinVar's aggregate classification.

Literature cited by the submitters: PubMed 27120077 (cited by Athena Diagnostics).